The following is an entry in ClinVar:

NM_001844.5(COL2A1):c.340G>A (p.Asp114Asn)

Gene: COL2A1 (collagen type II alpha 1 chain; minus strand). Cytogenetic location: 12q13.11.
Variant type: single nucleotide variant.
Coding change: c.340G>A on transcript NM_001844.5 (MANE Select); coding-DNA position 340, G replaced by A.
Protein change: p.Asp114Asn; replaces aspartic acid 114 with asparagine.
Molecular consequence: missense variant.
Genome position (GRCh38, 1-based): chr12:47,998,171, C>T on the plus strand (G>A on the coding strand, the complement: COL2A1 is on the minus strand). VCF-style: chr12-47998171-C-T. GRCh37 (hg19) VCF-style: chr12-48391954-C-T.
Other names: c.133G>A, p.Asp45Asn (NM_033150.3); c.340G>A (NM_001844.4); short protein forms D114N, D45N.
Identifiers: ClinVar variation 1506350 (VCV001506350.9), dbSNP rs1940053470, ClinGen allele CA384525294.

ClinVar aggregate classification (germline): Uncertain significance. Review status: criteria provided, multiple submitters, no conflicts (2 of 4 stars). 3 submissions from 3 submitters: Uncertain significance (3). Last evaluated 2026-04-12.

Allele frequency attached by ClinVar (database versions not stated): gnomAD exomes below 0.00001; TOPMed below 0.00001.
gnomAD v4.1: 1 of 1,614,146 alleles (0.000062%); highest among the groups gnomAD compares: Admixed American, 0.0017%; no homozygotes.

Submissions (3):

Dasa
Classification: Uncertain significance. Last evaluated: 2026-04-12. Review status: criteria provided, single submitter. Criteria: DASA Assertion Criteria. Collection method: clinical testing. Allele origin: germline.
Comment: NM_001844.5(COL2A1):c.340G>A (p.Asp114Asn) is a missense variant that results in the substitution of aspartic acid with asparagine. This variant is rare in population databases. The currently available literature and clinical evidence are not sufficient to establish a definitive association between this variant and the reported condition. Therefore, this variant is classified as a variant of uncertain significance.

GeneDx
Classification: Uncertain significance. Last evaluated: 2025-03-24. Review status: criteria provided, single submitter. Criteria: GeneDx Variant Classification Process June 2021. Collection method: clinical testing. Allele origin: germline. Affected: yes.
Comment: Not observed at significant frequency in large population cohorts (gnomAD); In silico analysis indicates that this missense variant does not alter protein structure/function; Not located in the triple helical region, where the majority of pathogenic missense variants occur (HGMD); Has not been previously published as pathogenic or benign to our knowledge

Labcorp Genetics (formerly Invitae), Labcorp
Classification: Uncertain significance. Last evaluated: 2022-10-04. Review status: criteria provided, single submitter. Criteria: Invitae Variant Classification Sherloc (09022015). Collection method: clinical testing. Allele origin: germline.
Comment: This variant has not been reported in the literature in individuals affected with COL2A1-related conditions. This variant is not present in population databases (gnomAD no frequency). This sequence change replaces aspartic acid, which is acidic and polar, with asparagine, which is neutral and polar, at codon 114 of the COL2A1 protein (p.Asp114Asn). ClinVar contains an entry for this variant (Variation ID: 1506350). In summary, the available evidence is currently insufficient to determine the role of this variant in disease. Therefore, it has been classified as a Variant of Uncertain Significance. Algorithms developed to predict the effect of missense changes on protein structure and function are either unavailable or do not agree on the potential impact of this missense change (SIFT: "Tolerated"; PolyPhen-2: "Not Available"; Align-GVGD: "Class C0").